The following is an entry in ClinVar:

ClinVar aggregate classification (germline): Uncertain significance. Review status: criteria provided, multiple submitters, no conflicts (2 of 4 stars). 2 submissions from 2 submitters: Uncertain significance (2). Last evaluated 2024-04-13.

Conditions:
Hermansky-Pudlak syndrome 1 (HPS1). Also called: DELTA STORAGE POOL DISEASE. Identifiers: Orphanet 231500, Orphanet 79430, MedGen C2931875, MONDO:0008748, OMIM 203300.

gnomAD v4.1: 56 of 1,554,984 alleles (0.0036%); highest among the groups gnomAD compares: Non-Finnish European, 0.0048%; 1 homozygote.

Submissions (2):

Fulgent Genetics
Classification: Uncertain significance for Hermansky-Pudlak syndrome 1. Last evaluated: 2024-04-13. Review status: criteria provided, single submitter. Criteria: ACMG Guidelines, 2015. Collection method: clinical testing. Allele origin: germline.

Labcorp Genetics (formerly Invitae), Labcorp
Classification: Uncertain significance. Last evaluated: 2021-09-24. Review status: criteria provided, single submitter. Criteria: Invitae Variant Classification Sherloc (09022015). Collection method: clinical testing. Allele origin: germline.
Comment: This sequence change replaces aspartic acid with histidine at codon 233 of the HPS1 protein (p.Asp233His). The aspartic acid residue is moderately conserved and there is a moderate physicochemical difference between aspartic acid and histidine. This variant is not present in population databases (ExAC no frequency). This variant has not been reported in the literature in individuals with HPS1-related conditions. Algorithms developed to predict the effect of missense changes on protein structure and function are either unavailable or do not agree on the potential impact of this missense change (SIFT: "Deleterious"; PolyPhen-2: "Probably Damaging"; Align-GVGD: "Class C0"). In summary, the available evidence is currently insufficient to determine the role of this variant in disease. Therefore, it has been classified as a Variant of Uncertain Significance.

NM_000195.5(HPS1):c.697G>C (p.Asp233His)

Gene: HPS1 (HPS1 biogenesis of lysosomal organelles complex 3 subunit 1; minus strand). Cytogenetic location: 10q24.2.
Variant type: single nucleotide variant.
Coding change: c.697G>C on transcript NM_000195.5 (MANE Select); coding-DNA position 697, G replaced by C.
Protein change: p.Asp233His; replaces aspartic acid 233 with histidine.
Molecular consequence: missense variant. On other transcripts: 5 prime UTR variant (3), synonymous variant (2).
Genome position (GRCh38, 1-based): chr10:98,430,642, C>G on the plus strand (G>C on the coding strand, the complement: HPS1 is on the minus strand). VCF-style: chr10-98430642-C-G. GRCh37 (hg19) VCF-style: chr10-100190399-C-G.
Other names: c.-177G>C (NM_001311345.2, NM_001322489.2); c.697G>C, p.Asp233His (NM_001322476.2, NM_001322477.2, NM_001322478.2 and 3 more transcripts); c.436G>C, p.Asp146His (NM_001322480.2, NM_001322481.2, NM_001322482.2); c.328G>C, p.Asp110His (NM_001322483.2, NM_001322484.2, NM_001322485.2); c.-276G>C (NM_001322487.2); c.579G>C, p.Pro193= (NM_001322490.2, NM_001322492.2); short protein forms D110H, D146H, D233H.
Identifiers: ClinVar variation 2179527 (VCV002179527.2), dbSNP rs535690375, ClinGen allele CA212767098.